The following is an entry in ClinVar:

ClinVar aggregate classification (germline): Pathogenic (1 of 4 stars; one submission).

Allele frequency attached by ClinVar (database versions not stated): gnomAD exomes below 0.00001.

Submission:

Labcorp Genetics (formerly Invitae), Labcorp
Classification: Pathogenic. Last evaluated: 2021-04-06. Review status: criteria provided, single submitter. Criteria: Invitae Variant Classification Sherloc (09022015). Collection method: clinical testing. Allele origin: germline.
Comment: This variant has not been reported in the literature in individuals with ESCO2-related conditions. For these reasons, this variant has been classified as Pathogenic. This variant is not present in population databases (ExAC no frequency). This sequence change creates a premature translational stop signal (p.His34Glnfs*7) in the ESCO2 gene. It is expected to result in an absent or disrupted protein product. Loss-of-function variants in ESCO2 are known to be pathogenic (PMID: 15821733, 16380922).

Literature cited by the submitters: PubMed 15821733; PubMed 16380922.

NM_001017420.3(ESCO2):c.102_103del (p.His34fs)

Gene: ESCO2 (establishment of sister chromatid cohesion N-acetyltransferase 2; plus strand). Cytogenetic location: 8p21.1.
Variant type: Deletion.
Coding change: c.102_103del on transcript NM_001017420.3 (MANE Select); coding-DNA positions 102 to 103, 2 bases deleted (CT; older notation c.102_103delCT).
Protein change: p.His34fs; shifts the reading frame from histidine 34.
Molecular consequence: frameshift variant.
Genome position (GRCh38, 1-based): chr8:27,776,410-27,776,411, CT deleted. VCF-style (leftmost placement, unchanged base first): chr8-27776409-ACT-A. GRCh37 (hg19) VCF-style: chr8-27633926-ACT-A.
Other names: short protein forms H34fs.
Identifiers: ClinVar variation 1373535 (VCV001373535.6), dbSNP rs2128951023, ClinGen allele CA460054128.